The following is an entry in ClinVar:

NM_000051.4(ATM):c.4928T>A (p.Ile1643Asn)

Gene: ATM (ATM serine/threonine kinase; plus strand). Cytogenetic location: 11q22.3.
Variant type: single nucleotide variant.
Coding change: c.4928T>A on transcript NM_000051.4 (MANE Select); coding-DNA position 4928, T replaced by A.
Protein change: p.Ile1643Asn; replaces isoleucine 1643 with asparagine.
Molecular consequence: missense variant.
Genome position (GRCh38, 1-based): chr11:108,297,305, T>A. VCF-style: chr11-108297305-T-A. GRCh37 (hg19) VCF-style: chr11-108168032-T-A.
Other names: c.4928T>A, p.Ile1643Asn (NM_001351834.2); short protein forms I1643N.
Identifiers: ClinVar variation 482590 (VCV000482590.6), dbSNP rs1555103201, ClinGen allele CA382538097.
Genomic context (GRCh38, chr11:108,297,305, plus strand): 5'-CTTCATGCTAGTTTAAACTAATTTTTAAAAAATTATTTCTAGATAATCCGCAAGATGGGA[T>A]TATGGTGAAACTAGTTGTCAATTTGTTGCAGTTATCCAAGATGGCAATAAACCACACTGG-3'
Protein context (NP_000042.3, residues 1633-1653): RASQDNPQDG[Ile1643Asn]MVKLVVNLLQ

ClinVar aggregate classification (germline): Uncertain significance (1 of 4 stars; one submission).

Conditions:
Hereditary cancer-predisposing syndrome. Also called: Neoplastic Syndromes, Hereditary; Tumor predisposition; Hereditary Cancer Syndrome; Hereditary neoplastic syndrome. Identifiers: Orphanet 140162, MedGen C0027672, MeSH D009386, MONDO:0015356.

Submission:

Ambry Genetics
Classification: Uncertain significance for Hereditary cancer-predisposing syndrome. Last evaluated: 2024-06-27. Review status: criteria provided, single submitter. Criteria: Ambry Variant Classification Scheme 2023. Collection method: clinical testing. Allele origin: germline.
Comment: The p.I1643N variant (also known as c.4928T>A), located in coding exon 32 of the ATM gene, results from a T to A substitution at nucleotide position 4928. The isoleucine at codon 1643 is replaced by asparagine, an amino acid with dissimilar properties. This amino acid position is not well conserved in available vertebrate species. In addition, this alteration is predicted to be tolerated by in silico analysis. Based on the available evidence, the clinical significance of this variant remains unclear.